The following is an entry in ClinVar:

ClinVar aggregate classification (germline): Likely benign. Review status: criteria provided, single submitter (1 of 4 stars). 2 submissions from 2 submitters: Likely benign (1). 1 of the submissions does not count toward it. Last evaluated 2025-10-05.

Conditions:
Kabuki syndrome. Also called: Kabuki make-up syndrome; NIIKAWA-KUROKI SYNDROME. Identifiers: Orphanet 2322, MedGen C0796004, MONDO:0016512.
KMT2D-related disorder. Also called: KMT2D-Related Disorders.

Allele frequency attached by ClinVar (database versions not stated): gnomAD exomes 0.00002 and 0.00007; gnomAD 0.00003 and 0.00004; TOPMed 0.00003; ExAC 0.00004.
gnomAD v4.1: 108 of 1,611,870 alleles (0.0067%); highest among the groups gnomAD compares: Non-Finnish European, 0.0086%; no homozygotes.

Submissions (2):

Labcorp Genetics (formerly Invitae), Labcorp
Classification: Likely benign for Kabuki syndrome. Last evaluated: 2025-10-05. Review status: criteria provided, single submitter. Criteria: Invitae Variant Classification Sherloc (09022015). Collection method: clinical testing. Allele origin: germline.

PreventionGenetics, part of Exact Sciences
Classification: Likely benign for KMT2D-related condition. Last evaluated: 2022-11-02. Review status: no assertion criteria provided. Collection method: clinical testing. Allele origin: germline. Not counted in ClinVar's aggregate classification.
Comment: This variant is classified as likely benign based on ACMG/AMP sequence variant interpretation guidelines (Richards et al. 2015 PMID: 25741868, with internal and published modifications).

NM_003482.4(KMT2D):c.5169G>A (p.Gly1723=)

Gene: KMT2D (lysine methyltransferase 2D; minus strand). Cytogenetic location: 12q13.12.
Variant type: single nucleotide variant.
Coding change: c.5169G>A on transcript NM_003482.4 (MANE Select); coding-DNA position 5169, G replaced by A.
Protein change: p.Gly1723=; no amino-acid change (glycine 1723 retained).
Molecular consequence: synonymous variant.
Genome position (GRCh38, 1-based): chr12:49,044,219, C>T on the plus strand (G>A on the coding strand, the complement: KMT2D is on the minus strand). VCF-style: chr12-49044219-C-T. GRCh37 (hg19) VCF-style: chr12-49438002-C-T.
Identifiers: ClinVar variation 790424 (VCV000790424.9), dbSNP rs762464984, ClinGen allele CA6547614.
Genomic context (GRCh38, chr12:49,044,219, plus strand): 5'-CACCTTCTCCCAGGCCCCACTGGTGCCCTCACCCGTCTCACCCTCGTCGGGCTGCCCATC[C>T]CCACTCAACACCTCCGCCTGTGCAGCAGGCCCCTTTTTCGTGCGTGTGTGGGATTTCCGC-3'
Protein context (NP_003473.3, residues 1713-1733): GPAAQAEVLS[Gly1723=]DGQPDEVIPA